The following is an entry in ClinVar:

ClinVar aggregate classification (germline): Uncertain significance (1 of 4 stars; one submission).

Allele frequency attached by ClinVar (database versions not stated): ExAC 0.00002; 1000 Genomes Project 30x 0.00016; 1000 Genomes Project 0.00020.
gnomAD v4.1: 14 of 1,612,214 alleles (0.00087%); highest among the groups gnomAD compares: Middle Eastern, 0.017%; no homozygotes.

Submission:

Labcorp Genetics (formerly Invitae), Labcorp
Classification: Uncertain significance. Last evaluated: 2020-08-17. Review status: criteria provided, single submitter. Criteria: Invitae Variant Classification Sherloc (09022015). Collection method: clinical testing. Allele origin: germline.
Comment: Algorithms developed to predict the effect of missense changes on protein structure and function output the following: SIFT: "Tolerated"; PolyPhen-2: "Benign"; Align-GVGD: "Class C0". The valine amino acid residue is found in multiple mammalian species, suggesting that this missense change does not adversely affect protein function. These predictions have not been confirmed by published functional studies and their clinical significance is uncertain. In summary, the available evidence is currently insufficient to determine the role of this variant in disease. Therefore, it has been classified as a Variant of Uncertain Significance. This variant has not been reported in the literature in individuals with ATF6-related conditions. This variant is present in population databases (rs201470370, ExAC 0.01%). This sequence change replaces alanine with valine at codon 145 of the ATF6 protein (p.Ala145Val). The alanine residue is weakly conserved and there is a small physicochemical difference between alanine and valine.

NM_007348.4(ATF6):c.434C>T (p.Ala145Val)

Gene: ATF6 (activating transcription factor 6; plus strand). Cytogenetic location: 1q23.3.
Variant type: single nucleotide variant.
Coding change: c.434C>T on transcript NM_007348.4 (MANE Select); coding-DNA position 434, C replaced by T.
Protein change: p.Ala145Val; replaces alanine 145 with valine.
Molecular consequence: missense variant.
Genome position (GRCh38, 1-based): chr1:161,791,487, C>T. VCF-style: chr1-161791487-C-T. GRCh37 (hg19) VCF-style: chr1-161761277-C-T.
Other names: short protein forms A145V.
Identifiers: ClinVar variation 1053688 (VCV001053688.5), dbSNP rs201470370, ClinGen allele CA1214205.